The following is an entry in ClinVar:

ClinVar aggregate classification (germline): Uncertain significance (1 of 4 stars; one submission).

Conditions:
Neurofibromatosis, type 1 (NF1). Also called: VON RECKLINGHAUSEN DISEASE; Peripheral type neurofibromatosis; NEUROFIBROMATOSIS, TYPE I, SOMATIC; Neurofibromatosis, type I. Identifiers: Orphanet 636, MedGen C0027831, MONDO:0018975, OMIM 162200. Disease mechanism: loss of function.

Submission:

Labcorp Genetics (formerly Invitae), Labcorp
Classification: Uncertain significance for Neurofibromatosis, type 1. Last evaluated: 2024-10-03. Review status: criteria provided, single submitter. Criteria: Invitae Variant Classification Sherloc (09022015). Collection method: clinical testing. Allele origin: germline.
Comment: This sequence change replaces aspartic acid, which is acidic and polar, with glutamic acid, which is acidic and polar, at codon 1059 of the NF1 protein (p.Asp1059Glu). This variant is not present in population databases (gnomAD no frequency). This variant has not been reported in the literature in individuals affected with NF1-related conditions. Invitae Evidence Modeling of protein sequence and biophysical properties (such as structural, functional, and spatial information, amino acid conservation, physicochemical variation, residue mobility, and thermodynamic stability) indicates that this missense variant is not expected to disrupt NF1 protein function with a negative predictive value of 95%. In summary, the available evidence is currently insufficient to determine the role of this variant in disease. Therefore, it has been classified as a Variant of Uncertain Significance.

NM_001042492.3(NF1):c.3177T>G (p.Asp1059Glu)

Gene: NF1 (neurofibromin 1; plus strand). Cytogenetic location: 17q11.2.
Variant type: single nucleotide variant.
Coding change: c.3177T>G on transcript NM_001042492.3 (MANE Select); coding-DNA position 3177, T replaced by G.
Protein change: p.Asp1059Glu; replaces aspartic acid 1059 with glutamic acid.
Molecular consequence: missense variant.
Genome position (GRCh38, 1-based): chr17:31,230,905, T>G. VCF-style: chr17-31230905-T-G. GRCh37 (hg19) VCF-style: chr17-29557923-T-G.
Other names: c.3177T>G, p.Asp1059Glu (NM_000267.4); short protein forms D1059E.
Identifiers: ClinVar variation 3634524 (VCV003634524.2).